The following is an entry in ClinVar:

ClinVar aggregate classification (germline): Likely benign. Review status: criteria provided, single submitter (1 of 4 stars). 3 submissions from 3 submitters: Likely benign (1). 2 of the submissions do not count toward it. Last evaluated 2026-01-11.

Conditions:
Glycogen storage disease, type VII (GSD7). Also called: GSD VII; MUSCLE PHOSPHOFRUCTOKINASE DEFICIENCY; TARUI DISEASE; PFKM DEFICIENCY. Identifiers: Orphanet 371, MedGen C0017926, MONDO:0009295, OMIM 232800.
PFKM-related disorder. Also called: PFKM-related condition.

Allele frequency attached by ClinVar (database versions not stated): gnomAD exomes 0.00003 and 0.00007; TOPMed 0.00003; gnomAD 0.00004; ExAC 0.00007; 1000 Genomes Project 30x 0.00016; 1000 Genomes Project 0.00020.
gnomAD v4.1: 54 of 1,614,174 alleles (0.0033%); highest among the groups gnomAD compares: East Asian, 0.11%; no homozygotes.

Submissions (3):

Labcorp Genetics (formerly Invitae), Labcorp
Classification: Likely benign for Glycogen storage disease, type VII. Last evaluated: 2026-01-11. Review status: criteria provided, single submitter. Criteria: Invitae Variant Classification Sherloc (09022015). Collection method: clinical testing. Allele origin: germline.

PreventionGenetics, part of Exact Sciences
Classification: Likely benign for PFKM-related condition. Last evaluated: 2021-04-29. Review status: no assertion criteria provided. Collection method: clinical testing. Allele origin: germline. Not counted in ClinVar's aggregate classification.
Comment: This variant is classified as likely benign based on ACMG/AMP sequence variant interpretation guidelines (Richards et al. 2015 PMID: 25741868, with internal and published modifications).

Natera, Inc.
Classification: Uncertain significance for Glycogen storage disease type VII. Last evaluated: 2020-01-24. Review status: no assertion criteria provided. Collection method: clinical testing. Allele origin: germline. Not counted in ClinVar's aggregate classification.

NM_000289.6(PFKM):c.978G>A (p.Glu326=)

Gene: PFKM (phosphofructokinase, muscle; plus strand). Cytogenetic location: 12q13.11.
Variant type: single nucleotide variant.
Coding change: c.978G>A on transcript NM_000289.6 (MANE Select); coding-DNA position 978, G replaced by A.
Protein change: p.Glu326=; no amino-acid change (glutamic acid 326 retained).
Molecular consequence: synonymous variant. On other transcripts: non-coding transcript variant (6), intron variant (1).
Genome position (GRCh38, 1-based): chr12:48,137,762, G>A. VCF-style: chr12-48137762-G-A. GRCh37 (hg19) VCF-style: chr12-48531545-G-A.
Other names: c.1191G>A, p.Glu397= (NM_001166686.2, NM_001354737.1, NM_001354738.1 and 1 more transcripts); c.978G>A, p.Glu326= (NM_001166687.2, NM_001166688.2, NM_001354742.2 and 2 more transcripts); c.1287G>A, p.Glu429= (NM_001354735.1, NM_001354736.1); c.1122G>A, p.Glu374= (NM_001354740.1); c.1002G>A, p.Glu334= (NM_001354741.2); c.891G>A, p.Glu297= (NM_001354745.2); c.828G>A, p.Glu276= (NM_001354747.2, NM_001354748.2); c.885G>A, p.Glu295= (NM_001363619.2); and 1 more.
Identifiers: ClinVar variation 723671 (VCV000723671.14), dbSNP rs550083752, ClinGen allele CA6537165.